The following is an entry in ClinVar:

ClinVar aggregate classification (germline): Uncertain significance (1 of 4 stars; one submission).

Submission:

Labcorp Genetics (formerly Invitae), Labcorp
Classification: Uncertain significance. Last evaluated: 2025-12-27. Review status: criteria provided, single submitter. Criteria: Invitae Variant Classification Sherloc (09022015). Collection method: clinical testing. Allele origin: germline.
Comment: This sequence change replaces tyrosine, which is neutral and polar, with cysteine, which is neutral and slightly polar, at codon 312 of the CHM protein (p.Tyr312Cys). This variant is not present in population databases (gnomAD no frequency). This variant has not been reported in the literature in individuals affected with CHM-related conditions. Invitae Evidence Modeling of protein sequence and biophysical properties (such as structural, functional, and spatial information, amino acid conservation, physicochemical variation, residue mobility, and thermodynamic stability) indicates that this missense variant is expected to disrupt CHM protein function with a positive predictive value of 80%. In summary, the available evidence is currently insufficient to determine the role of this variant in disease. Therefore, it has been classified as a Variant of Uncertain Significance.

NM_000390.4(CHM):c.935A>G (p.Tyr312Cys)

Gene: CHM (CHM Rab escort protein; minus strand). Cytogenetic location: Xq21.2.
Variant type: single nucleotide variant.
Coding change: c.935A>G on transcript NM_000390.4 (MANE Select); coding-DNA position 935, A replaced by G.
Protein change: p.Tyr312Cys; replaces tyrosine 312 with cysteine.
Molecular consequence: missense variant.
Genome position (GRCh38, 1-based): chrX:85,957,860, T>C on the plus strand (A>G on the coding strand, the complement: CHM is on the minus strand). VCF-style: chrX-85957860-T-C. GRCh37 (hg19) VCF-style: chrX-85212865-T-C.
Other names: c.491A>G, p.Tyr164Cys (NM_001320959.1, NM_001362517.1, NM_001362518.2 and 1 more transcripts); short protein forms Y164C, Y312C.
Identifiers: ClinVar variation 4701047 (VCV004701047.1).